The following is an entry in ClinVar:

NM_001006658.3(CR2):c.694C>T (p.Leu232Phe)

Gene: CR2 (complement C3d receptor 2; plus strand). Cytogenetic location: 1q32.2.
Variant type: single nucleotide variant.
Coding change: c.694C>T on transcript NM_001006658.3 (MANE Select); coding-DNA position 694, C replaced by T.
Protein change: p.Leu232Phe; replaces leucine 232 with phenylalanine.
Molecular consequence: missense variant.
Genome position (GRCh38, 1-based): chr1:207,468,859, C>T. VCF-style: chr1-207468859-C-T. GRCh37 (hg19) VCF-style: chr1-207642204-C-T.
Other names: c.694C>T, p.Leu232Phe (NM_001877.5); short protein forms L232F.
Identifiers: ClinVar variation 1042017 (VCV001042017.10), dbSNP rs1274698415, ClinGen allele CA344526788.

ClinVar aggregate classification (germline): Uncertain significance (1 of 4 stars; one submission).

Conditions:
Immunodeficiency, common variable, 7. Identifiers: Orphanet 1572, Orphanet 696894, MedGen C3542922, MONDO:0013862, OMIM 614699.

Allele frequency attached by ClinVar (database versions not stated): TOPMed 0.00001.

Submission:

Labcorp Genetics (formerly Invitae), Labcorp
Classification: Uncertain significance for Immunodeficiency, common variable, 7. Last evaluated: 2022-02-03. Review status: criteria provided, single submitter. Criteria: Invitae Variant Classification Sherloc (09022015). Collection method: clinical testing. Allele origin: germline.
Comment: Algorithms developed to predict the effect of missense changes on protein structure and function output the following: SIFT: "Tolerated"; PolyPhen-2: "Benign"; Align-GVGD: "Class C0". The phenylalanine amino acid residue is found in multiple mammalian species, which suggests that this missense change does not adversely affect protein function. ClinVar contains an entry for this variant (Variation ID: 1042017). This variant has not been reported in the literature in individuals affected with CR2-related conditions. This variant is not present in population databases (gnomAD no frequency). This sequence change replaces leucine, which is neutral and non-polar, with phenylalanine, which is neutral and non-polar, at codon 232 of the CR2 protein (p.Leu232Phe). In summary, the available evidence is currently insufficient to determine the role of this variant in disease. Therefore, it has been classified as a Variant of Uncertain Significance.